The following is an entry in ClinVar:

ClinVar aggregate classification (germline): Likely benign. Review status: criteria provided, multiple submitters, no conflicts (2 of 4 stars). 2 submissions from 2 submitters: Likely benign (2). Last evaluated 2025-07-27.

Conditions:
Breast-ovarian cancer, familial, susceptibility to, 3. Also called: RAD51C-Related Breast/Ovarian Cancer. Identifiers: Orphanet 145, MedGen C3150659, MONDO:0013253, OMIM 613399.
Fanconi anemia complementation group O. Also called: RAD51C-Related Fanconi Anemia. Identifiers: Orphanet 84, MedGen C3150653, MONDO:0013248, OMIM 613390.

Submissions (2):

Labcorp Genetics (formerly Invitae), Labcorp
Classification: Likely benign for Fanconi anemia complementation group O. Last evaluated: 2025-07-27. Review status: criteria provided, single submitter. Criteria: Invitae Variant Classification Sherloc (09022015). Collection method: clinical testing. Allele origin: germline.

Myriad Genetics, Inc.
Classification: Likely benign for Breast-ovarian cancer, familial, susceptibility to, 3. Last evaluated: 2025-02-18. Review status: criteria provided, single submitter. Criteria: Myriad Autosomal Dominant, Autosomal Recessive and X-Linked Classification Criteria (2023). Collection method: clinical testing. Allele origin: unknown.
Comment: This variant is considered likely benign. This variant is intronic and is not expected to impact mRNA splicing.

NM_058216.3(RAD51C):c.405-19G>A

Gene: RAD51C (RAD51 paralog C; plus strand). Cytogenetic location: 17q22.
Variant type: single nucleotide variant.
Coding change: c.405-19G>A on transcript NM_058216.3 (MANE Select); 19 bases into the intron before coding-DNA position 405, G replaced by A.
Molecular consequence: intron variant.
Genome position (GRCh38, 1-based): chr17:58,696,674, G>A. VCF-style: chr17-58696674-G-A. GRCh37 (hg19) VCF-style: chr17-56774035-G-A.
Identifiers: ClinVar variation 1567032 (VCV001567032.9), dbSNP rs2143742410, ClinGen allele CA2573154413.
Genomic context (GRCh38, chr17:58,696,674, plus strand): 5'-CTTGTCATTATCTGGAGTTCAAAAACACTACCTTAGATCATCATCATGATTTGGTTGTTT[G>A]TCATCTTTCTGTTGACAGTATGCAGTTGGCAGTAGATGTGCAGATACCAGAATGTTTTGG-3'